The following is an entry in ClinVar:

NM_000338.3(SLC12A1):c.2199G>A (p.Ala733=)

Gene: SLC12A1 (solute carrier family 12 member 1; plus strand). Cytogenetic location: 15q21.1.
Variant type: single nucleotide variant.
Coding change: c.2199G>A on transcript NM_000338.3 (MANE Select); coding-DNA position 2199, G replaced by A.
Protein change: p.Ala733=; no amino-acid change (alanine 733 retained).
Molecular consequence: synonymous variant.
Genome position (GRCh38, 1-based): chr15:48,267,605, G>A. VCF-style: chr15-48267605-G-A. GRCh37 (hg19) VCF-style: chr15-48559802-G-A.
Other names: c.2199G>A, p.Ala733= (NM_001184832.2).
Identifiers: ClinVar variation 316266 (VCV000316266.16), dbSNP rs150609105, ClinGen allele CA7547318.

ClinVar aggregate classification (germline): Benign/Likely benign. Review status: criteria provided, multiple submitters, no conflicts (2 of 4 stars). 3 submissions from 3 submitters: Benign (1); Likely benign (2). Last evaluated 2025-12-21.

Conditions:
Bartter disease type 1. Also called: HYPERPROSTAGLANDIN E SYNDROME 1; HYPOKALEMIC ALKALOSIS WITH HYPERCALCIURIA 1, ANTENATAL; Bartter syndrome, type 1, antenatal; Bartter Syndrome type 1. Identifiers: Orphanet 112, Orphanet 620217, MedGen C1866495, MONDO:0100344, OMIM 601678, MONDO:0011127.

Allele frequency attached by ClinVar (database versions not stated): gnomAD exomes 0.00013 and 0.00029; ExAC 0.00034; 1000 Genomes Project 0.00120; ESP Exome Variant Server 0.00123; 1000 Genomes Project 30x 0.00125; gnomAD 0.00136 and 0.00148; TOPMed 0.00175.
gnomAD v4.1: 412 of 1,613,520 alleles (0.026%); highest among the groups gnomAD compares: African/African-American, 0.46%; 1 homozygote.

Submissions (3):

Labcorp Genetics (formerly Invitae), Labcorp
Classification: Benign. Last evaluated: 2025-12-21. Review status: criteria provided, single submitter. Criteria: Invitae Variant Classification Sherloc (09022015). Collection method: clinical testing. Allele origin: germline.

Illumina Laboratory Services, Illumina
Classification: Likely benign for Bartter disease type 1. Last evaluated: 2018-01-13. Review status: criteria provided, single submitter. Criteria: ICSL Variant Classification Criteria 13 December 2019. Collection method: clinical testing. Allele origin: germline.
Comment: This variant was observed in the ICSL laboratory as part of a predisposition screen in an ostensibly healthy population. It had not been previously curated by ICSL or reported in the Human Gene Mutation Database (HGMD: prior to June 1st, 2018), and was therefore a candidate for classification through an automated scoring system. Utilizing variant allele frequency, disease prevalence and penetrance estimates, and inheritance mode, an automated score was calculated to assess if this variant is too frequent to cause the disease. Based on the score and internal cut-off values, a variant classified as likely benign is not then subjected to further curation. The score for this variant resulted in a classification of likely benign for this disease.

Breakthrough Genomics
Classification: Likely benign. Review status: criteria provided, single submitter. Criteria: ACMG Guidelines, 2015. Collection method: not provided. Allele origin: germline. Inheritance: Autosomal recessive inheritance. Affected: yes.